The following is an entry in ClinVar:

NM_005120.3(MED12):c.644G>T (p.Cys215Phe)

Gene: MED12 (mediator complex subunit 12; plus strand). Cytogenetic location: Xq13.1.
Variant type: single nucleotide variant.
Coding change: c.644G>T on transcript NM_005120.3 (MANE Select); coding-DNA position 644, G replaced by T.
Protein change: p.Cys215Phe; replaces cysteine 215 with phenylalanine.
Molecular consequence: missense variant.
Genome position (GRCh38, 1-based): chrX:71,121,061, G>T. VCF-style: chrX-71121061-G-T. GRCh37 (hg19) VCF-style: chrX-70340911-G-T.
Other names: short protein forms C215F.
Identifiers: ClinVar variation 4859838 (VCV004859838.1).

ClinVar aggregate classification (germline): Uncertain significance (1 of 4 stars; one submission).

Conditions:
Familial thoracic aortic aneurysm and aortic dissection (TAAD). Also called: Thoracic aortic aneurysms and dissections. Identifiers: Orphanet 91387, MedGen C4707243, MONDO:0019625.

Submission:

Ambry Genetics
Classification: Uncertain significance for Familial thoracic aortic aneurysm and aortic dissection. Last evaluated: 2026-05-28. Review status: criteria provided, single submitter. Criteria: Ambry Variant Classification Scheme 2023. Collection method: clinical testing. Allele origin: germline.
Comment: The p.C215F variant (also known as c.644G>T), located in coding exon 5 of the MED12 gene, results from a G to T substitution at nucleotide position 644. The cysteine at codon 215 is replaced by phenylalanine, an amino acid with highly dissimilar properties. This amino acid position is conserved. In addition, the in silico prediction for this alteration is inconclusive. Based on the available evidence, the clinical significance of this variant remains unclear.